The following is an entry in ClinVar:

NM_006445.4(PRPF8):c.4038del (p.Asp1347fs)

Gene: PRPF8 (pre-mRNA processing factor 8; minus strand). Cytogenetic location: 17p13.3.
Variant type: Deletion.
Coding change: c.4038del on transcript NM_006445.4 (MANE Select); coding-DNA position 4038, one base deleted (A; older notation c.4038delA).
Protein change: p.Asp1347fs; shifts the reading frame from aspartic acid 1347.
Molecular consequence: frameshift variant.
Genome position (GRCh38, 1-based): chr17:1,661,775, T deleted on the plus strand (A on the coding strand, the reverse complement: PRPF8 is on the minus strand). VCF-style (leftmost placement, unchanged base first): chr17-1661774-CT-C. GRCh37 (hg19) VCF-style: chr17-1565068-CT-C.
Other names: short protein forms D1347fs.
Identifiers: ClinVar variation 5009790 (VCV005009790.1).

ClinVar aggregate classification (germline): Uncertain significance (1 of 4 stars; one submission).

Submission:

GeneDx
Classification: Uncertain significance. Last evaluated: 2026-03-05. Review status: criteria provided, single submitter. Criteria: GeneDx Variant Classification Process June 2021. Collection method: clinical testing. Allele origin: germline.
Comment: Frameshift variant predicted to result in protein truncation or nonsense mediated decay in a gene or region of a gene for which loss of function is not a well-established mechanism of disease; Has not been previously published as pathogenic or benign to our knowledge; Not observed at significant frequency in large population cohorts (gnomAD)